The following is an entry in ClinVar:

NM_000322.5(PRPH2):c.464C>G (p.Thr155Ser)

Gene: PRPH2 (peripherin 2; minus strand). Cytogenetic location: 6p21.1.
Variant type: single nucleotide variant.
Coding change: c.464C>G on transcript NM_000322.5 (MANE Select); coding-DNA position 464, C replaced by G.
Protein change: p.Thr155Ser; replaces threonine 155 with serine.
Molecular consequence: missense variant.
Genome position (GRCh38, 1-based): chr6:42,721,871, G>C on the plus strand (C>G on the coding strand, the complement: PRPH2 is on the minus strand). VCF-style: chr6-42721871-G-C. GRCh37 (hg19) VCF-style: chr6-42689609-G-C.
Other names: short protein forms T155S.
Identifiers: ClinVar variation 1175282 (VCV001175282.1), dbSNP rs199572514, ClinGen allele CA364137499.

ClinVar aggregate classification (germline): Benign (0 of 4 stars; one submission).

Submission:

Leiden Open Variation Database
Classification: Benign. Last evaluated: 2021-06-25. Review status: no assertion criteria provided. Collection method: curation. Allele origin: germline. Affected: yes.
Comment: Curator: Global Variome, with Curator vacancy. Submitter to LOVD: LOVD.

Literature cited by the submitters: PubMed 19506198.